The following is an entry in ClinVar:

NM_000322.5(PRPH2):c.754G>C (p.Ala252Pro)

Gene: PRPH2 (peripherin 2; minus strand). Cytogenetic location: 6p21.1.
Variant type: single nucleotide variant.
Coding change: c.754G>C on transcript NM_000322.5 (MANE Select); coding-DNA position 754, G replaced by C.
Protein change: p.Ala252Pro; replaces alanine 252 with proline.
Molecular consequence: missense variant.
Genome position (GRCh38, 1-based): chr6:42,704,439, C>G on the plus strand (G>C on the coding strand, the complement: PRPH2 is on the minus strand). VCF-style: chr6-42704439-C-G. GRCh37 (hg19) VCF-style: chr6-42672177-C-G.
Other names: short protein forms A252P.
Identifiers: ClinVar variation 1175300 (VCV001175300.1), dbSNP rs1203189231, ClinGen allele CA364134948.

ClinVar aggregate classification (germline): Uncertain significance (0 of 4 stars; one submission).

Submission:

Leiden Open Variation Database
Classification: Uncertain significance. Last evaluated: 2021-04-06. Review status: no assertion criteria provided. Collection method: curation. Allele origin: germline. Affected: yes.
Comment: Curator: Global Variome, with Curator vacancy. Submitter to LOVD: Manon Peeters.

Literature cited by the submitters: PubMed 32717343.